The following is an entry in ClinVar:

ClinVar aggregate classification (germline): Uncertain significance (1 of 4 stars; one submission).

Allele frequency attached by ClinVar (database versions not stated): gnomAD exomes below 0.00001.

Submission:

Labcorp Genetics (formerly Invitae), Labcorp
Classification: Uncertain significance. Last evaluated: 2024-11-18. Review status: criteria provided, single submitter. Criteria: Invitae Variant Classification Sherloc (09022015). Collection method: clinical testing. Allele origin: germline.
Comment: This sequence change replaces leucine, which is neutral and non-polar, with proline, which is neutral and non-polar, at codon 19 of the COX8A protein (p.Leu19Pro). The frequency data for this variant in the population databases is considered unreliable, as metrics indicate poor data quality at this position in the gnomAD database. This variant has not been reported in the literature in individuals affected with COX8A-related conditions. ClinVar contains an entry for this variant (Variation ID: 1993468). An algorithm developed to predict the effect of missense changes on protein structure and function (PolyPhen-2) suggests that this variant is likely to be disruptive. In summary, the available evidence is currently insufficient to determine the role of this variant in disease. Therefore, it has been classified as a Variant of Uncertain Significance.

NM_004074.3(COX8A):c.56T>C (p.Leu19Pro)

Genes: COX8A (cytochrome c oxidase subunit 8A; plus strand), LOC130005904 (ATAC-STARR-seq lymphoblastoid active region 4880; plus strand). Cytogenetic location: 11q13.1.
Variant type: single nucleotide variant.
Coding change: c.56T>C on transcript NM_004074.3 (MANE Select); coding-DNA position 56, T replaced by C.
Protein change: p.Leu19Pro; replaces leucine 19 with proline.
Molecular consequence: missense variant.
Genome position (GRCh38, 1-based): chr11:63,974,736, T>C. VCF-style: chr11-63974736-T-C. GRCh37 (hg19) VCF-style: chr11-63742208-T-C.
Other names: short protein forms L19P.
Identifiers: ClinVar variation 1993468 (VCV001993468.4), dbSNP rs1437255886, ClinGen allele CA381055518.